The following is an entry in ClinVar:

NM_024675.4(PALB2):c.450G>C (p.Gln150His)

Gene: PALB2 (partner and localizer of BRCA2; minus strand). Cytogenetic location: 16p12.2.
Variant type: single nucleotide variant.
Coding change: c.450G>C on transcript NM_024675.4 (MANE Select); coding-DNA position 450, G replaced by C.
Protein change: p.Gln150His; replaces glutamine 150 with histidine.
Molecular consequence: missense variant.
Genome position (GRCh38, 1-based): chr16:23,636,096, C>G on the plus strand (G>C on the coding strand, the complement: PALB2 is on the minus strand). VCF-style: chr16-23636096-C-G. GRCh37 (hg19) VCF-style: chr16-23647417-C-G.
Other names: short protein forms Q150H.
Identifiers: ClinVar variation 1489239 (VCV001489239.5), dbSNP rs2142443097, ClinGen allele CA395137223.

ClinVar aggregate classification (germline): Uncertain significance (1 of 4 stars; one submission).

Conditions:
Familial cancer of breast. Also called: Hereditary breast cancer; BREAST CANCER, FAMILIAL; hereditary breast carcinoma. Identifiers: Orphanet 227535, MedGen C0346153, MONDO:0016419, OMIM 114480. Disease mechanism: loss of function.

Submission:

Labcorp Genetics (formerly Invitae), Labcorp
Classification: Uncertain significance for Familial cancer of breast. Last evaluated: 2021-11-15. Review status: criteria provided, single submitter. Criteria: Invitae Variant Classification Sherloc (09022015). Collection method: clinical testing. Allele origin: germline.
Comment: In summary, the available evidence is currently insufficient to determine the role of this variant in disease. Therefore, it has been classified as a Variant of Uncertain Significance. Algorithms developed to predict the effect of missense changes on protein structure and function are either unavailable or do not agree on the potential impact of this missense change (SIFT: "Tolerated"; PolyPhen-2: "Possibly Damaging"; Align-GVGD: "Class C0"). This variant has not been reported in the literature in individuals affected with PALB2-related conditions. This variant is not present in population databases (gnomAD no frequency). This sequence change replaces glutamine, which is neutral and polar, with histidine, which is basic and polar, at codon 150 of the PALB2 protein (p.Gln150His).